The following is an entry in ClinVar:

ClinVar aggregate classification (germline): Likely pathogenic (0 of 4 stars; one submission).

Conditions:
Acute myeloid leukemia (AML). Also called: Acute myeloid leukemia, adult; AML adult; Acute non-lymphocytic leukemia; Acute granulocytic leukemia; Leukemia, acute myelogenous, somatic; Leukemia, acute myeloid, somatic. Identifiers: Orphanet 519, MedGen C0023467, MeSH D015470, MONDO:0018874, OMIM 601626, HP:0004808. Disease mechanism: Constitutively activated FLT3.

Submission:

Bone Marrow Failure laboratory, Queen Mary University London
Classification: Likely pathogenic for Acute myeloid leukemia. Last evaluated: 2021-01-20. Review status: no assertion criteria provided. Collection method: research. Allele origin: germline. Affected: yes.
Comment: His father had platelet storage pool disorder but has not been tested.

Literature cited by the submitters: PubMed 32098966.

Single allele

Gene: RUNX1 (RUNX family transcription factor 1; minus strand). Cytogenetic location: 21q22.12.
Variant type: Deletion.
Identifiers: ClinVar variation 1013624 (VCV001013624.2).